The following is an entry in ClinVar:

NM_207122.2(EXT2):c.785A>G (p.His262Arg)

Gene: EXT2 (exostosin glycosyltransferase 2; plus strand). Cytogenetic location: 11p11.2.
Variant type: single nucleotide variant.
Coding change: c.785A>G on transcript NM_207122.2 (MANE Select); coding-DNA position 785, A replaced by G.
Protein change: p.His262Arg; replaces histidine 262 with arginine.
Molecular consequence: missense variant.
Genome position (GRCh38, 1-based): chr11:44,124,830, A>G. VCF-style: chr11-44124830-A-G. GRCh37 (hg19) VCF-style: chr11-44146380-A-G.
Other names: c.884A>G, p.His295Arg (NM_000401.3); c.785A>G, p.His262Arg (NM_001178083.3, NM_001389628.1, NM_001389630.1); short protein forms H262R, H295R.
Identifiers: ClinVar variation 1327092 (VCV001327092.1), dbSNP rs2135014871, ClinGen allele CA380166924.

ClinVar aggregate classification (germline): Uncertain significance (1 of 4 stars; one submission).

Conditions:
Exostoses, multiple, type 2 (EXT2). Also called: EXOSTOSES, MULTIPLE, TYPE II; Hereditary Multiple Osteochondromatosis, Type II. Identifiers: Orphanet 321, MedGen C1851413, MONDO:0007586, OMIM 133701.

Submission:

Baylor Genetics
Classification: Uncertain significance for Exostoses, multiple, type 2. Last evaluated: 2021-02-09. Review status: criteria provided, single submitter. Criteria: ACMG Guidelines, 2015. Collection method: clinical testing. Allele origin: unknown. Affected: yes. Study: CSER-TexasKidsCanSeq.
Comment: This variant was determined to be of uncertain significance according to ACMG Guidelines, 2015 [PMID:25741868].